The following is an entry in ClinVar:

ClinVar aggregate classification (germline): Uncertain significance. Review status: criteria provided, single submitter (1 of 4 stars). 2 submissions from 2 submitters: Uncertain significance (1). 1 of the submissions does not count toward it. Last evaluated 2025-04-17.

Conditions:
VAV1-related disorder. Also called: VAV1-related condition.

Allele frequency attached by ClinVar (database versions not stated): gnomAD 0.00002; gnomAD exomes 0.00005; TOPMed 0.00003; ExAC 0.00015.
gnomAD v4.1: 74 of 1,541,242 alleles (0.0048%); highest among the groups gnomAD compares: East Asian, 0.073%; 1 homozygote.

Submissions (2):

Labcorp Genetics (formerly Invitae), Labcorp
Classification: Uncertain significance. Last evaluated: 2025-04-17. Review status: criteria provided, single submitter. Criteria: Invitae Variant Classification Sherloc (09022015). Collection method: clinical testing. Allele origin: germline.
Comment: This sequence change falls in intron 9 of the VAV1 gene. It does not directly change the encoded amino acid sequence of the VAV1 protein. It affects a nucleotide within the consensus splice site. The frequency data for this variant in the population databases is considered unreliable, as metrics indicate poor data quality at this position in the gnomAD database. This variant has not been reported in the literature in individuals affected with VAV1-related conditions. ClinVar contains an entry for this variant (Variation ID: 2909394). Variants that disrupt the consensus splice site are a relatively common cause of aberrant splicing (PMID: 17576681, 9536098). Algorithms developed to predict the effect of sequence changes on RNA splicing suggest that this variant is not likely to affect RNA splicing. In summary, the available evidence is currently insufficient to determine the role of this variant in disease. Therefore, it has been classified as a Variant of Uncertain Significance.

PreventionGenetics, part of Exact Sciences
Classification: Likely benign for VAV1-related condition. Last evaluated: 2019-06-05. Review status: no assertion criteria provided. Collection method: clinical testing. Allele origin: germline. Not counted in ClinVar's aggregate classification.
Comment: This variant is classified as likely benign based on ACMG/AMP sequence variant interpretation guidelines (Richards et al. 2015 PMID: 25741868, with internal and published modifications).

Literature cited by the submitters: PubMed 17576681 (cited by Labcorp Genetics (formerly Invitae), Labcorp); PubMed 9536098 (cited by Labcorp Genetics (formerly Invitae), Labcorp).

NM_005428.4(VAV1):c.927+6C>T

Gene: VAV1 (vav guanine nucleotide exchange factor 1; plus strand). Cytogenetic location: 19p13.3.
Variant type: single nucleotide variant.
Coding change: c.927+6C>T on transcript NM_005428.4 (MANE Select); 6 bases into the intron after coding-DNA position 927, C replaced by T.
Molecular consequence: intron variant.
Genome position (GRCh38, 1-based): chr19:6,826,717, C>T. VCF-style: chr19-6826717-C-T. GRCh37 (hg19) VCF-style: chr19-6826728-C-T.
Other names: c.927+6C>T (NM_005428.3, NM_001258206.2); c.831+6C>T (NM_001258207.2).
Identifiers: ClinVar variation 2909394 (VCV002909394.5), dbSNP rs56002731, ClinGen allele CA9132380.